The following is an entry in ClinVar:

ClinVar aggregate classification (germline): Uncertain significance (1 of 4 stars; one submission).

Conditions:
Hereditary cancer-predisposing syndrome. Also called: Neoplastic Syndromes, Hereditary; Tumor predisposition; Hereditary Cancer Syndrome; Hereditary neoplastic syndrome. Identifiers: Orphanet 140162, MedGen C0027672, MeSH D009386, MONDO:0015356.

gnomAD v4.1: 2 of 1,613,598 alleles (0.00012%); highest among the groups gnomAD compares: Non-Finnish European, 0.00017%; no homozygotes.

Submission:

Ambry Genetics
Classification: Uncertain significance for Hereditary cancer-predisposing syndrome. Last evaluated: 2025-11-29. Review status: criteria provided, single submitter. Criteria: Ambry Variant Classification Scheme 2023. Collection method: clinical testing. Allele origin: germline.
Comment: The p.M642V variant (also known as c.1924A>G), located in coding exon 13 of the PDGFRA gene, results from an A to G substitution at nucleotide position 1924. The methionine at codon 642 is replaced by valine, an amino acid with highly similar properties. This amino acid position is conserved. In addition, this alteration is predicted to be deleterious by in silico analysis. Based on the available evidence, the clinical significance of this variant remains unclear.

NM_006206.6(PDGFRA):c.1924A>G (p.Met642Val)

Gene: PDGFRA (platelet derived growth factor receptor alpha; plus strand). Cytogenetic location: 4q12.
Variant type: single nucleotide variant.
Coding change: c.1924A>G on transcript NM_006206.6 (MANE Select); coding-DNA position 1924, A replaced by G.
Protein change: p.Met642Val; replaces methionine 642 with valine.
Molecular consequence: missense variant.
Genome position (GRCh38, 1-based): chr4:54,277,928, A>G. VCF-style: chr4-54277928-A-G. GRCh37 (hg19) VCF-style: chr4-55144095-A-G.
Other names: c.1924A>G, p.Met642Val (NM_001347827.2, NM_001347829.2); c.1999A>G, p.Met667Val (NM_001347828.2); c.1963A>G, p.Met655Val (NM_001347830.2); short protein forms M655V, M667V, M642V.
Identifiers: ClinVar variation 4665529 (VCV004665529.1).